The following is an entry in ClinVar:

NM_004380.3(CREBBP):c.2806C>T (p.Pro936Ser)

Gene: CREBBP (CREB binding lysine acetyltransferase; minus strand). Cytogenetic location: 16p13.3.
Variant type: single nucleotide variant.
Coding change: c.2806C>T on transcript NM_004380.3 (MANE Select); coding-DNA position 2806, C replaced by T.
Protein change: p.Pro936Ser; replaces proline 936 with serine.
Molecular consequence: missense variant.
Genome position (GRCh38, 1-based): chr16:3,770,644, G>A on the plus strand (C>T on the coding strand, the complement: CREBBP is on the minus strand). VCF-style: chr16-3770644-G-A. GRCh37 (hg19) VCF-style: chr16-3820645-G-A.
Other names: c.2692C>T, p.Pro898Ser (NM_001079846.1); short protein forms P898S, P936S.
Identifiers: ClinVar variation 3355514 (VCV003355514.1).
Genomic context (GRCh38, chr16:3,770,644, plus strand): 5'-GCTGGGCGTGCACAGGCGTCGGCTGTTGCTGCGATGACTGAGGGGTAGCCACAGACGGGG[G>A]CTGAACTGGGGTTTGAGGCTGCGGGGTCACCTGGGCCTGGGCTGCTGCCTGGACTGTAGG-3'
Protein context (NP_004371.2, residues 926-946): VTPQPQTPVQ[Pro936Ser]PSVATPQSSQ

ClinVar aggregate classification (germline): Uncertain significance (0 of 4 stars; one submission).

Conditions:
CREBBP-related disorder. Also called: CREBBP-related condition; CREBBP-related disorders.

Submission:

PreventionGenetics, part of Exact Sciences
Classification: Uncertain significance for CREBBP-related condition. Last evaluated: 2024-06-13. Review status: no assertion criteria provided. Collection method: clinical testing. Allele origin: germline.
Comment: The CREBBP c.2806C>T variant is predicted to result in the amino acid substitution p.Pro936Ser. To our knowledge, this variant has not been reported in the literature or in a large population database, indicating this variant is rare. At this time, the clinical significance of this variant is uncertain due to the absence of conclusive functional and genetic evidence.